The following is an entry in ClinVar:

NC_000014.8:g.(?_64484293)_(64484494_?)del

Gene: SYNE2 (spectrin repeat containing nuclear envelope protein 2; plus strand). Cytogenetic location: 14q23.2.
Variant type: Deletion.
Identifiers: ClinVar variation 2427602 (VCV002427602.4).

ClinVar aggregate classification (germline): Uncertain significance (1 of 4 stars; one submission).

Conditions:
Emery-Dreifuss muscular dystrophy 5, autosomal dominant (EDMD5). Also called: EMERY-DREIFUSS MUSCULAR DYSTROPHY 5. Identifiers: Orphanet 261, MedGen C2751805, MONDO:0013072, OMIM 612999.

Submission:

Labcorp Genetics (formerly Invitae), Labcorp
Classification: Uncertain significance for Emery-Dreifuss muscular dystrophy 5, autosomal dominant. Last evaluated: 2022-09-17. Review status: criteria provided, single submitter. Criteria: Invitae Variant Classification Sherloc (09022015). Collection method: clinical testing. Allele origin: germline.
Comment: In summary, the available evidence is currently insufficient to determine the role of this variant in disease. Therefore, it has been classified as a Variant of Uncertain Significance. Experimental studies and prediction algorithms are not available or were not evaluated, and the functional significance of this variant is currently unknown. This variant has not been reported in the literature in individuals affected with SYNE2-related conditions. This variant is a gross deletion of the genomic region encompassing exon(s) 34 of the SYNE2 gene. This variant would be expected to be in-frame, preserving the integrity of the reading frame.